The following is an entry in ClinVar:

ClinVar aggregate classification (germline): Uncertain significance (1 of 4 stars; one submission).

Conditions:
Multiple acyl-CoA dehydrogenase deficiency (MADD). Also called: Glutaric acidemia type II; GA 2; Glutaric Acidemia type 2; ETHYLMALONIC-ADIPICACIDURIA; GA II; Glutaric aciduria, type 2. Identifiers: Orphanet 26791, MedGen C0268596, MONDO:0009282, OMIM 231680.

Submission:

Labcorp Genetics (formerly Invitae), Labcorp
Classification: Uncertain significance for Multiple acyl-CoA dehydrogenase deficiency. Last evaluated: 2021-09-01. Review status: criteria provided, single submitter. Criteria: Invitae Variant Classification Sherloc (09022015). Collection method: clinical testing. Allele origin: germline.
Comment: This sequence change replaces glycine with glutamic acid at codon 555 of the ETFDH protein (p.Gly555Glu). The glycine residue is highly conserved and there is a moderate physicochemical difference between glycine and glutamic acid. This variant is not present in population databases (ExAC no frequency). This variant has not been reported in the literature in individuals affected with ETFDH-related conditions. Advanced modeling of protein sequence and biophysical properties (such as structural, functional, and spatial information, amino acid conservation, physicochemical variation, residue mobility, and thermodynamic stability) performed at Invitae indicates that this missense variant is expected to disrupt ETFDH protein function. In summary, the available evidence is currently insufficient to determine the role of this variant in disease. Therefore, it has been classified as a Variant of Uncertain Significance.

NM_004453.4(ETFDH):c.1664G>A (p.Gly555Glu)

Gene: ETFDH (electron transfer flavoprotein dehydrogenase; plus strand). Cytogenetic location: 4q32.1.
Variant type: single nucleotide variant.
Coding change: c.1664G>A on transcript NM_004453.4 (MANE Select); coding-DNA position 1664, G replaced by A.
Protein change: p.Gly555Glu; replaces glycine 555 with glutamic acid.
Molecular consequence: missense variant.
Genome position (GRCh38, 1-based): chr4:158,706,824, G>A. VCF-style: chr4-158706824-G-A. GRCh37 (hg19) VCF-style: chr4-159627976-G-A.
Other names: c.1523G>A, p.Gly508Glu (NM_001281737.2); c.1481G>A, p.Gly494Glu (NM_001281738.1); short protein forms G494E, G508E, G555E.
Identifiers: ClinVar variation 1440771 (VCV001440771.5), dbSNP rs2126316873, ClinGen allele CA358565162.